The following is an entry in ClinVar:

NM_001042545.2(LTBP4):c.3703G>A (p.Asp1235Asn)

Gene: LTBP4 (latent transforming growth factor beta binding protein 4; plus strand). Cytogenetic location: 19q13.2.
Variant type: single nucleotide variant.
Coding change: c.3703G>A on transcript NM_001042545.2 (MANE Select); coding-DNA position 3703, G replaced by A.
Protein change: p.Asp1235Asn; replaces aspartic acid 1235 with asparagine.
Molecular consequence: missense variant.
Genome position (GRCh38, 1-based): chr19:40,623,953, G>A. VCF-style: chr19-40623953-G-A. GRCh37 (hg19) VCF-style: chr19-41129858-G-A.
Other names: c.3904G>A, p.Asp1302Asn (NM_001042544.1); c.3793G>A, p.Asp1265Asn (NM_003573.2); short protein forms D1302N, D1235N, D1265N.
Identifiers: ClinVar variation 2002028 (VCV002002028.1), dbSNP rs752245994, ClinGen allele CA9449105.
Genomic context (GRCh38, chr19:40,623,953, plus strand): 5'-GGGGAGAGTTGAAGGGGATGCCTCTTAATCATCCTCTCCCTAGACAATGACGAGTGCGCC[G>A]ATGAGGAACCGGCCTGTGAGGGCGGCCGCTGTGTCAACACTGTGGGCTCTTATCACTGTA-3'
Protein context (NP_001036010.1, residues 1225-1245): LECIDNDECA[Asp1235Asn]EEPACEGGRC

ClinVar aggregate classification (germline): Uncertain significance (1 of 4 stars; one submission).

Allele frequency attached by ClinVar (database versions not stated): ExAC 0.00001.
gnomAD v4.1: 6 of 1,613,946 alleles (0.00037%); highest among the groups gnomAD compares: Admixed American, 0.0017%; no homozygotes.

Submission:

Labcorp Genetics (formerly Invitae), Labcorp
Classification: Uncertain significance. Last evaluated: 2022-06-02. Review status: criteria provided, single submitter. Criteria: Invitae Variant Classification Sherloc (09022015). Collection method: clinical testing. Allele origin: germline.
Comment: This sequence change replaces aspartic acid, which is acidic and polar, with asparagine, which is neutral and polar, at codon 1265 of the LTBP4 protein (p.Asp1265Asn). This variant is present in population databases (rs752245994, gnomAD 0.003%). This variant has not been reported in the literature in individuals affected with LTBP4-related conditions. Experimental studies and prediction algorithms are not available or were not evaluated, and the functional significance of this variant is currently unknown. In summary, the available evidence is currently insufficient to determine the role of this variant in disease. Therefore, it has been classified as a Variant of Uncertain Significance.